The following is an entry in ClinVar:

ClinVar aggregate classification (germline): Uncertain significance (1 of 4 stars; one submission).

Conditions:
Hereditary cancer-predisposing syndrome. Also called: Neoplastic Syndromes, Hereditary; Tumor predisposition; Hereditary Cancer Syndrome; Hereditary neoplastic syndrome. Identifiers: Orphanet 140162, MedGen C0027672, MeSH D009386, MONDO:0015356.

Allele frequency attached by ClinVar (database versions not stated): gnomAD exomes below 0.00001.
gnomAD v4.1: 1 of 1,614,134 alleles (0.000062%); highest among the groups gnomAD compares: Non-Finnish European, 0.000085%; no homozygotes.

Submission:

Ambry Genetics
Classification: Uncertain significance for Hereditary cancer-predisposing syndrome. Last evaluated: 2020-10-29. Review status: criteria provided, single submitter. Criteria: Ambry Variant Classification Scheme 2023. Collection method: clinical testing. Allele origin: germline.
Comment: The p.K729E variant (also known as c.2185A>G), located in coding exon 14 of the PTCH1 gene, results from an A to G substitution at nucleotide position 2185. The lysine at codon 729 is replaced by glutamic acid, an amino acid with similar properties. This amino acid position is well conserved in available vertebrate species. In addition, this alteration is predicted to be tolerated by in silico analysis. Since supporting evidence is limited at this time, the clinical significance of this alteration remains unclear.

NM_000264.5(PTCH1):c.2185A>G (p.Lys729Glu)

Genes: PTCH1 (patched 1; minus strand), LOC100507346 (uncharacterized LOC100507346; plus strand). Cytogenetic location: 9q22.32.
Variant type: single nucleotide variant.
Coding change: c.2185A>G on transcript NM_000264.5 (MANE Select); coding-DNA position 2185, A replaced by G.
Protein change: p.Lys729Glu; replaces lysine 729 with glutamic acid.
Molecular consequence: missense variant. On other transcripts: non-coding transcript variant (2).
Genome position (GRCh38, 1-based): chr9:95,468,816, T>C on the plus strand (A>G on the coding strand, the complement: PTCH1 is on the minus strand). VCF-style: chr9-95468816-T-C. GRCh37 (hg19) VCF-style: chr9-98231098-T-C.
Other names: c.1987A>G, p.Lys663Glu (NM_001083602.3); c.2182A>G, p.Lys728Glu (NM_001083603.3); c.1732A>G, p.Lys578Glu (NM_001083604.3, NM_001083605.3, NM_001083606.3 and 1 more transcripts); c.2029A>G, p.Lys677Glu (NM_001354918.2); short protein forms K663E, K677E, K729E, K578E, K728E.
Identifiers: ClinVar variation 1787320 (VCV001787320.2), dbSNP rs2118029671, ClinGen allele CA374115410.